The following is an entry in ClinVar:

ClinVar aggregate classification (germline): Benign/Likely benign. Review status: criteria provided, multiple submitters, no conflicts (2 of 4 stars). 4 submissions from 4 submitters: Benign (1); Likely benign (2). 1 of the submissions does not count toward it. Last evaluated 2025-03-19.

Conditions:
COL17A1-related disorder. Also called: COL17A1-related condition.
Junctional epidermolysis bullosa, non-Herlitz type. Also called: EPIDERMOLYSIS BULLOSA JUNCTIONALIS, DISENTIS TYPE; EPIDERMOLYSIS BULLOSA JUNCTIONALIS, NON-HERLITZ TYPE; EPIDERMOLYSIS BULLOSA JUNCTIONALIS, PROGRESSIVE; EPIDERMOLYSIS BULLOSA JUNCTIONALIS, SEVERE NONLETHAL; Adult junctional epidermolysis bullosa; Epidermolysis bullosa, junctional, non-herlitz type, somatic mosaic revertant. Identifiers: Orphanet 251393, Orphanet 79402, Orphanet 79405, Orphanet 89840, MedGen C0268374, MONDO:0009180, OMIM 226650.

Allele frequency attached by ClinVar (database versions not stated): TOPMed 0.00014; gnomAD 0.00026 and 0.00048; gnomAD exomes 0.00066 and 0.00104; 1000 Genomes Project 30x 0.00125; ExAC 0.00126; 1000 Genomes Project 0.00160.
gnomAD v4.1: 1,044 of 1,613,710 alleles (0.065%); highest among the groups gnomAD compares: South Asian, 0.68%; 15 homozygotes.

Submissions (4):

Labcorp Genetics (formerly Invitae), Labcorp
Classification: Benign. Last evaluated: 2025-03-19. Review status: criteria provided, single submitter. Criteria: Invitae Variant Classification Sherloc (09022015). Collection method: clinical testing. Allele origin: germline.

Illumina Laboratory Services, Illumina
Classification: Likely benign for Junctional epidermolysis bullosa, non-Herlitz type. Last evaluated: 2018-01-12. Review status: criteria provided, single submitter. Criteria: ICSL Variant Classification Criteria 13 December 2019. Collection method: clinical testing. Allele origin: germline.
Comment: This variant was observed in the ICSL laboratory as part of a predisposition screen in an ostensibly healthy population. It had not been previously curated by ICSL or reported in the Human Gene Mutation Database (HGMD: prior to June 1st, 2018), and was therefore a candidate for classification through an automated scoring system. Utilizing variant allele frequency, disease prevalence and penetrance estimates, and inheritance mode, an automated score was calculated to assess if this variant is too frequent to cause the disease. Based on the score and internal cut-off values, a variant classified as likely benign is not then subjected to further curation. The score for this variant resulted in a classification of likely benign for this disease.

Breakthrough Genomics
Classification: Likely benign. Review status: criteria provided, single submitter. Criteria: ACMG Guidelines, 2015. Collection method: not provided. Allele origin: germline. Inheritance: Autosomal recessive inheritance. Affected: yes.

PreventionGenetics, part of Exact Sciences
Classification: Likely benign for COL17A1-related condition. Last evaluated: 2023-12-15. Review status: no assertion criteria provided. Collection method: clinical testing. Allele origin: germline. Not counted in ClinVar's aggregate classification.
Comment: This variant is classified as likely benign based on ACMG/AMP sequence variant interpretation guidelines (Richards et al. 2015 PMID: 25741868, with internal and published modifications).

NM_000494.4(COL17A1):c.4296T>C (p.Thr1432=)

Gene: COL17A1 (collagen type XVII alpha 1 chain; minus strand). Cytogenetic location: 10q25.1.
Variant type: single nucleotide variant.
Coding change: c.4296T>C on transcript NM_000494.4 (MANE Select); coding-DNA position 4296, T replaced by C.
Protein change: p.Thr1432=; no amino-acid change (threonine 1432 retained).
Molecular consequence: synonymous variant.
Genome position (GRCh38, 1-based): chr10:104,032,967, A>G on the plus strand (T>C on the coding strand, the complement: COL17A1 is on the minus strand). VCF-style: chr10-104032967-A-G. GRCh37 (hg19) VCF-style: chr10-105792725-A-G.
Other names: c.4296T>C, p.Thr1432= (LRG_1249t1).
Identifiers: ClinVar variation 298684 (VCV000298684.14), dbSNP rs571566750, ClinGen allele CA5677632.